The following is an entry in ClinVar:

ClinVar aggregate classification (germline): Uncertain significance. Review status: criteria provided, multiple submitters, no conflicts (2 of 4 stars). 2 submissions from 2 submitters: Uncertain significance (2). Last evaluated 2024-06-16.

Conditions:
Autosomal recessive Robinow syndrome (RRS1). Also called: ROBINOW SYNDROME, AUTOSOMAL RECESSIVE 1; COSTOVERTEBRAL SEGMENTATION DEFECT WITH MESOMELIA; COVESDEM SYNDROME; ROR2-Related Robinow Syndrome. Identifiers: Orphanet 1507, Orphanet 97360, MedGen C5399974, MONDO:0009999, OMIM 268310.
Inborn genetic diseases. Identifiers: MedGen C0950123, MeSH D030342.

Allele frequency attached by ClinVar (database versions not stated): gnomAD exomes below 0.00001 and 0.00001; TOPMed below 0.00001.
gnomAD v4.1: 5 of 1,613,942 alleles (0.00031%); highest among the groups gnomAD compares: East Asian, 0.0089%; no homozygotes.

Submissions (2):

Ambry Genetics
Classification: Uncertain significance for Inborn genetic diseases. Last evaluated: 2024-06-16. Review status: criteria provided, single submitter. Criteria: Ambry Variant Classification Scheme 2023. Collection method: clinical testing. Allele origin: germline.

Dubai Health Genomic Medicine Center, Dubai Health
Classification: Uncertain significance for Autosomal recessive Robinow syndrome. Last evaluated: 2020-03-25. Review status: criteria provided, single submitter. Criteria: ACMG Guidelines, 2015. Collection method: clinical testing. Allele origin: germline. Affected: yes.
Comment: The p.Arg121Gln missense variant in ROR2 has not been previously reported in affected individuals but was observed in 1/251490 total alleles in the Genome Aggregation Database (gnomAD). Computational prediction tools suggest an impact to protein function though this information is not predictive enough to confirm pathogenicity. In summary additional information is needed to fully assess the clinical significance of this variant.

NM_004560.4(ROR2):c.362G>A (p.Arg121Gln)

Gene: ROR2 (receptor tyrosine kinase like orphan receptor 2; minus strand). Cytogenetic location: 9q22.31.
Variant type: single nucleotide variant.
Coding change: c.362G>A on transcript NM_004560.4 (MANE Select); coding-DNA position 362, G replaced by A.
Protein change: p.Arg121Gln; replaces arginine 121 with glutamine.
Molecular consequence: missense variant.
Genome position (GRCh38, 1-based): chr9:91,757,373, C>T on the plus strand (G>A on the coding strand, the complement: ROR2 is on the minus strand). VCF-style: chr9-91757373-C-T. GRCh37 (hg19) VCF-style: chr9-94519655-C-T.
Other names: c.362G>A, p.Arg121Gln (NM_001318204.2); short protein forms R121Q.
Identifiers: ClinVar variation 1301669 (VCV001301669.3), dbSNP rs1377209414, ClinGen allele CA373840640.